The following is an entry in ClinVar:

NM_001429.4(EP300):c.2022C>G (p.Asn674Lys)

Gene: EP300 (EP300 lysine acetyltransferase; plus strand). Cytogenetic location: 22q13.2.
Variant type: single nucleotide variant.
Coding change: c.2022C>G on transcript NM_001429.4 (MANE Select); coding-DNA position 2022, C replaced by G.
Protein change: p.Asn674Lys; replaces asparagine 674 with lysine.
Molecular consequence: missense variant.
Genome position (GRCh38, 1-based): chr22:41,141,191, C>G. VCF-style: chr22-41141191-C-G. GRCh37 (hg19) VCF-style: chr22-41537195-C-G.
Other names: c.2022C>G, p.Asn674Lys (NM_001362843.2); short protein forms N674K.
Identifiers: ClinVar variation 5000011 (VCV005000011.1).

ClinVar aggregate classification (germline): Uncertain significance (1 of 4 stars; one submission).

Conditions:
EP300-related disorder. Also called: EP300-related condition; EP300-related disorders.

gnomAD v4.1: 1 of 1,614,174 alleles (0.000062%); highest among the groups gnomAD compares: Non-Finnish European, 0.000085%; no homozygotes.

Submission:

PreventionGenetics, part of Exact Sciences
Classification: Uncertain significance for EP300-related condition. Last evaluated: 2025-05-07. Review status: criteria provided, single submitter. Criteria: ACMG Guidelines, 2015. Collection method: clinical testing. Allele origin: germline.
Comment: The EP300 c.2022C>G variant is predicted to result in the amino acid substitution p.Asn674Lys. To our knowledge, this variant has not been reported in the literature or in a large population database (gnomAD), indicating this variant is rare. At this time, the clinical significance of this variant is uncertain due to the absence of conclusive functional and genetic evidence.